The following is an entry in ClinVar:

ClinVar aggregate classification (germline): Uncertain significance (1 of 4 stars; one submission).

Submission:

Ambry Genetics
Classification: Uncertain significance. Last evaluated: 2024-02-25. Review status: criteria provided, single submitter. Criteria: Ambry Variant Classification Scheme 2023. Collection method: clinical testing. Allele origin: germline.
Comment: The p.E245D variant (also known as c.735G>C), located in coding exon 2 of the TERF2IP gene, results from a G to C substitution at nucleotide position 735. The glutamic acid at codon 245 is replaced by aspartic acid, an amino acid with highly similar properties. This amino acid position is conserved. In addition, this alteration is predicted to be tolerated by in silico analysis. Based on the available evidence, the clinical significance of this alteration remains unclear.

NM_018975.4(TERF2IP):c.735G>C (p.Glu245Asp)

Gene: TERF2IP (TERF2 interacting protein; plus strand). Cytogenetic location: 16q23.1.
Variant type: single nucleotide variant.
Coding change: c.735G>C on transcript NM_018975.4 (MANE Select); coding-DNA position 735, G replaced by C.
Protein change: p.Glu245Asp; replaces glutamic acid 245 with aspartic acid.
Molecular consequence: missense variant. On other transcripts: non-coding transcript variant (1).
Genome position (GRCh38, 1-based): chr16:75,654,337, G>C. VCF-style: chr16-75654337-G-C. GRCh37 (hg19) VCF-style: chr16-75688235-G-C.
Other names: short protein forms E245D.
Identifiers: ClinVar variation 3227203 (VCV003227203.1), dbSNP rs2507086438, ClinGen allele CA396819134.